The following is an entry in ClinVar:

ClinVar aggregate classification (germline): Benign/Likely benign (0 of 4 stars; one submission).

Submission:

GeneDx
Classification: Benign/Likely benign. Last evaluated: 2011-04-30. Review status: no assertion criteria provided. Collection method: clinical testing. Allele origin: not provided. Affected: yes. Observed: 2 variant alleles.
Comment: Likely benign (1), Benign (1)

GRCh38/hg38 12p12.2-12.1(chr12:20864642-21203648)x1

Genes: SLCO1B1 (solute carrier organic anion transporter family member 1B1; plus strand), SLCO1B3 (solute carrier organic anion transporter family member 1B3; plus strand), SLCO1B3-SLCO1B7 (SLCO1B3-SLCO1B7 readthrough; plus strand), SLCO1B7 (solute carrier organic anion transporter family member 1B7 (putative); plus strand), LOC126861478 (P300/CBP strongly-dependent group 1 enhancer GRCh37_chr12:21226346-21227545; plus strand). Cytogenetic location: 12p12.2-12.1.
Variant type: copy number loss.
Change: copy number 1 (one copy instead of two) of chr12:20,864,642-21,203,648 (339.0 kb, GRCh38 coordinates, 1-based), cytogenetic band 12p12.2-12.1.
Identifiers: ClinVar variation 151289 (VCV000151289.1).